The following is an entry in ClinVar:

ClinVar aggregate classification (germline): Uncertain significance (1 of 4 stars; one submission).

Submission:

GeneDx
Classification: Uncertain significance. Last evaluated: 2023-07-17. Review status: criteria provided, single submitter. Criteria: GeneDx Variant Classification Process June 2021. Collection method: clinical testing. Allele origin: germline. Affected: yes.
Comment: Not observed at significant frequency in large population cohorts (gnomAD); In silico analysis supports that this missense variant has a deleterious effect on protein structure/function; Has not been previously published as pathogenic or benign to our knowledge

NM_001303256.3(MORC2):c.354C>G (p.Phe118Leu)

Gene: MORC2 (MORC family CW-type zinc finger 2; minus strand). Cytogenetic location: 22q12.2.
Variant type: single nucleotide variant.
Coding change: c.354C>G on transcript NM_001303256.3 (MANE Select); coding-DNA position 354, C replaced by G.
Protein change: p.Phe118Leu; replaces phenylalanine 118 with leucine.
Molecular consequence: missense variant.
Genome position (GRCh38, 1-based): chr22:30,946,413, G>C on the plus strand (C>G on the coding strand, the complement: MORC2 is on the minus strand). VCF-style: chr22-30946413-G-C. GRCh37 (hg19) VCF-style: chr22-31342400-G-C.
Other names: c.354C>G, p.Phe118Leu (NM_001303257.2); c.168C>G, p.Phe56Leu (NM_014941.3); short protein forms F118L, F56L.
Identifiers: ClinVar variation 3361056 (VCV003361056.1).